The following is an entry in ClinVar:

NM_020964.3(EPG5):c.7518G>T (p.Arg2506Ser)

Gene: EPG5 (ectopic P-granules 5 autophagy tethering factor; minus strand). Cytogenetic location: 18q12.3.
Variant type: single nucleotide variant.
Coding change: c.7518G>T on transcript NM_020964.3 (MANE Select); coding-DNA position 7518, G replaced by T.
Protein change: p.Arg2506Ser; replaces arginine 2506 with serine.
Molecular consequence: missense variant.
Genome position (GRCh38, 1-based): chr18:45,855,612, C>A on the plus strand (G>T on the coding strand, the complement: EPG5 is on the minus strand). VCF-style: chr18-45855612-C-A. GRCh37 (hg19) VCF-style: chr18-43435577-C-A.
Other names: c.7518G>T, p.Arg2506Ser (NM_001410858.1); c.7515G>T, p.Arg2505Ser (NM_001410859.1); short protein forms R2505S, R2506S.
Identifiers: ClinVar variation 3624757 (VCV003624757.2).

ClinVar aggregate classification (germline): Uncertain significance (1 of 4 stars; one submission).

Conditions:
Vici syndrome (VICIS). Identifiers: Orphanet 1493, MedGen C1855772, MONDO:0009452, OMIM 242840.

gnomAD v4.1: 5 of 1,614,068 alleles (0.00031%); highest among the groups gnomAD compares: East Asian, 0.0022%; no homozygotes.

Submission:

Labcorp Genetics (formerly Invitae), Labcorp
Classification: Uncertain significance for Vici syndrome. Last evaluated: 2024-11-11. Review status: criteria provided, single submitter. Criteria: Invitae Variant Classification Sherloc (09022015). Collection method: clinical testing. Allele origin: germline.
Comment: This sequence change replaces arginine, which is basic and polar, with serine, which is neutral and polar, at codon 2506 of the EPG5 protein (p.Arg2506Ser). This variant is not present in population databases (gnomAD no frequency). This variant has not been reported in the literature in individuals affected with EPG5-related conditions. Invitae Evidence Modeling of protein sequence and biophysical properties (such as structural, functional, and spatial information, amino acid conservation, physicochemical variation, residue mobility, and thermodynamic stability) indicates that this missense variant is not expected to disrupt EPG5 protein function with a negative predictive value of 80%. In summary, the available evidence is currently insufficient to determine the role of this variant in disease. Therefore, it has been classified as a Variant of Uncertain Significance.